The following is an entry in ClinVar:

NM_001029883.3(PCARE):c.1583G>C (p.Arg528Pro)

Gene: PCARE (photoreceptor cilium actin regulator; minus strand). Cytogenetic location: 2p23.2.
Variant type: single nucleotide variant.
Coding change: c.1583G>C on transcript NM_001029883.3 (MANE Select); coding-DNA position 1583, G replaced by C.
Protein change: p.Arg528Pro; replaces arginine 528 with proline.
Molecular consequence: missense variant.
Genome position (GRCh38, 1-based): chr2:29,072,679, C>G on the plus strand (G>C on the coding strand, the complement: PCARE is on the minus strand). VCF-style: chr2-29072679-C-G. GRCh37 (hg19) VCF-style: chr2-29295545-C-G.
Other names: short protein forms R528P.
Identifiers: ClinVar variation 956200 (VCV000956200.9), dbSNP rs373674892, ClinGen allele CA346479356.
Genomic context (GRCh38, chr2:29,072,679, plus strand): 5'-ATTGACTCCTTCATCTTCAGAATCATTTCCTGGGCCTGGAGGCTCCTAAGCCTCCTGGTG[C>G]GGGCCTGAAATGGGCTTTCCCGGTCAGCAGGTGAAGATTGTGGCCTTGAATGTGGAGTTT-3'
Protein context (NP_001025054.1, residues 518-538): PADRESPFQA[Arg528Pro]TRRLRSLQAQ

ClinVar aggregate classification (germline): Uncertain significance (1 of 4 stars; one submission).

Submission:

Labcorp Genetics (formerly Invitae), Labcorp
Classification: Uncertain significance. Last evaluated: 2019-10-26. Review status: criteria provided, single submitter. Criteria: Invitae Variant Classification Sherloc (09022015). Collection method: clinical testing. Allele origin: germline.
Comment: In summary, the available evidence is currently insufficient to determine the role of this variant in disease. Therefore, it has been classified as a Variant of Uncertain Significance. Algorithms developed to predict the effect of missense changes on protein structure and function (SIFT, PolyPhen-2, Align-GVGD) all suggest that this variant is likely to be tolerated, but these predictions have not been confirmed by published functional studies and their clinical significance is uncertain. This variant has not been reported in the literature in individuals with PCARE-related conditions. This variant is not present in population databases (ExAC no frequency). This sequence change replaces arginine with proline at codon 528 of the PCARE protein (p.Arg528Pro). The arginine residue is weakly conserved and there is a moderate physicochemical difference between arginine and proline.